The following is an entry in ClinVar:

ClinVar aggregate classification (germline): Uncertain significance (1 of 4 stars; one submission).

Conditions:
Hereditary cancer-predisposing syndrome. Also called: Neoplastic Syndromes, Hereditary; Tumor predisposition; Hereditary Cancer Syndrome; Hereditary neoplastic syndrome. Identifiers: Orphanet 140162, MedGen C0027672, MeSH D009386, MONDO:0015356.

Submission:

Ambry Genetics
Classification: Uncertain significance for Hereditary cancer-predisposing syndrome. Last evaluated: 2025-11-30. Review status: criteria provided, single submitter. Criteria: Ambry Variant Classification Scheme 2023. Collection method: clinical testing. Allele origin: germline.
Comment: The p.K51T variant (also known as c.152A>C), located in coding exon 2 of the CTNNA1 gene, results from an A to C substitution at nucleotide position 152. The lysine at codon 51 is replaced by threonine, an amino acid with similar properties. This amino acid position is conserved. In addition, the in silico prediction for this alteration is inconclusive. Based on the available evidence, the clinical significance of this variant remains unclear.

NM_001903.5(CTNNA1):c.152A>C (p.Lys51Thr)

Gene: CTNNA1 (catenin alpha 1; plus strand). Cytogenetic location: 5q31.2.
Variant type: single nucleotide variant.
Coding change: c.152A>C on transcript NM_001903.5 (MANE Select); coding-DNA position 152, A replaced by C.
Protein change: p.Lys51Thr; replaces lysine 51 with threonine.
Molecular consequence: missense variant. On other transcripts: 5 prime UTR variant (1), intron variant (1).
Genome position (GRCh38, 1-based): chr5:138,783,223, A>C. VCF-style: chr5-138783223-A-C. GRCh37 (hg19) VCF-style: chr5-138118912-A-C.
Other names: c.152A>C, p.Lys51Thr (NM_001290307.3, NM_001323982.2, NM_001323983.1 and 3 more transcripts); c.-55A>C (NM_001290310.3); c.-9+1194A>C (NM_001290309.3); short protein forms K51T.
Identifiers: ClinVar variation 4635592 (VCV004635592.1).
Genomic context (GRCh38, chr5:138,783,223, plus strand): 5'-AATGAAACTTTTAGGTTACAACCCTTGTAAACACCAATAGTAAAGGGCCCTCTAATAAGA[A>C]GAGAGGTCGTTCTAAGAAGGCCCATGTTTTGGCTGCATCTGTTGAACAAGCAACTGAGAA-3'
Protein context (NP_001894.2, residues 41-61): NTNSKGPSNK[Lys51Thr]RGRSKKAHVL